The following is an entry in ClinVar:

NM_000264.5(PTCH1):c.73G>A (p.Gly25Arg)

Genes: PTCH1 (patched 1; minus strand), LOC130002133 (ATAC-STARR-seq lymphoblastoid silent region 20071; plus strand). Cytogenetic location: 9q22.32.
Variant type: single nucleotide variant.
Coding change: c.73G>A on transcript NM_000264.5 (MANE Select); coding-DNA position 73, G replaced by A.
Protein change: p.Gly25Arg; replaces glycine 25 with arginine.
Molecular consequence: missense variant. On other transcripts: non-coding transcript variant (1), intron variant (3).
Genome position (GRCh38, 1-based): chr9:95,508,289, C>T on the plus strand (G>A on the coding strand, the complement: PTCH1 is on the minus strand). VCF-style: chr9-95508289-C-T. GRCh37 (hg19) VCF-style: chr9-98270571-C-T.
Other names: c.73G>A, p.Gly25Arg (NM_001354918.2); c.199-1690G>A (NM_001083603.3); c.4-1690G>A (NM_001083602.3, NM_001354919.2); short protein forms G25R.
Identifiers: ClinVar variation 2044485 (VCV002044485.4), dbSNP rs1843902765, ClinGen allele CA374121475.

ClinVar aggregate classification (germline): Uncertain significance (1 of 4 stars; one submission).

Conditions:
Gorlin syndrome. Also called: Basal cell nevus syndrome; Nevoid Basal Cell Carcinoma Syndrome. Identifiers: Orphanet 377, MedGen C0004779, MONDO:0007187.

Submission:

Labcorp Genetics (formerly Invitae), Labcorp
Classification: Uncertain significance for Gorlin syndrome. Last evaluated: 2021-12-16. Review status: criteria provided, single submitter. Criteria: Invitae Variant Classification Sherloc (09022015). Collection method: clinical testing. Allele origin: germline.
Comment: This variant has not been reported in the literature in individuals affected with PTCH1-related conditions. In summary, the available evidence is currently insufficient to determine the role of this variant in disease. Therefore, it has been classified as a Variant of Uncertain Significance. Advanced modeling of protein sequence and biophysical properties (such as structural, functional, and spatial information, amino acid conservation, physicochemical variation, residue mobility, and thermodynamic stability) performed at Invitae indicates that this missense variant is not expected to disrupt PTCH1 protein function. This variant is not present in population databases (gnomAD no frequency). This sequence change replaces glycine, which is neutral and non-polar, with arginine, which is basic and polar, at codon 25 of the PTCH1 protein (p.Gly25Arg).